The following is an entry in ClinVar:

ClinVar aggregate classification (germline): Pathogenic/Likely pathogenic. Review status: criteria provided, multiple submitters, no conflicts (2 of 4 stars). 3 submissions from 3 submitters: Pathogenic (2); Likely pathogenic (1). Last evaluated 2024-06-07.

Conditions:
Hereditary cancer-predisposing syndrome. Also called: Neoplastic Syndromes, Hereditary; Tumor predisposition; Hereditary neoplastic syndrome; Hereditary Cancer Syndrome. Identifiers: Orphanet 140162, MedGen C0027672, MeSH D009386, MONDO:0015356.
Fanconi anemia complementation group C (FANCC). Also called: FANCC-Related Fanconi Anemia; FANCONI PANCYTOPENIA, TYPE 3; FACC; Fanconi anemia, group C. Identifiers: Orphanet 84, MedGen C3468041, MONDO:0009213, OMIM 227645.
Fanconi anemia (FA). Also called: Fanconi's anemia. Identifiers: Orphanet 84, MedGen C0015625, MeSH D005199, MONDO:0019391.

Submissions (3):

Fulgent Genetics
Classification: Likely pathogenic for Fanconi anemia complementation group C. Last evaluated: 2024-06-07. Review status: criteria provided, single submitter. Criteria: ACMG Guidelines, 2015. Collection method: clinical testing. Allele origin: germline.

Ambry Genetics
Classification: Pathogenic for Hereditary cancer-predisposing syndrome. Last evaluated: 2020-12-28. Review status: criteria provided, single submitter. Criteria: Ambry Variant Classification Scheme 2023. Collection method: clinical testing. Allele origin: germline.
Comment: The c.284_293del10 pathogenic mutation, located in coding exon 3 of the FANCC gene, results from a deletion of 10 nucleotides at nucleotide positions 284 to 293, causing a translational frameshift with a predicted alternate stop codon (p.C95Lfs*46). This alteration is expected to result in loss of function by premature protein truncation or nonsense-mediated mRNA decay. As such, this alteration is interpreted as a disease-causing mutation.

Labcorp Genetics (formerly Invitae), Labcorp
Classification: Pathogenic for Fanconi anemia. Last evaluated: 2020-11-10. Review status: criteria provided, single submitter. Criteria: Invitae Variant Classification Sherloc (09022015). Collection method: clinical testing. Allele origin: germline.
Comment: This sequence change creates a premature translational stop signal (p.Cys95Leufs*46) in the FANCC gene. It is expected to result in an absent or disrupted protein product. Loss-of-function variants in FANCC are known to be pathogenic (PMID: 17924555). This variant is not present in population databases (ExAC no frequency). This variant has not been reported in the literature in individuals with FANCC-related conditions. For these reasons, this variant has been classified as Pathogenic.

Literature cited by the submitters: PubMed 17924555 (cited by Labcorp Genetics (formerly Invitae), Labcorp).

NM_000136.3(FANCC):c.284_293del (p.Cys95fs)

Gene: FANCC (FA complementation group C; minus strand). Cytogenetic location: 9q22.32.
Variant type: Deletion.
Coding change: c.284_293del on transcript NM_000136.3 (MANE Select); coding-DNA positions 284 to 293, 10 bases deleted (GTTGTCTAAT; older notation c.284_293delGTTGTCTAAT).
Protein change: p.Cys95fs; shifts the reading frame from cysteine 95.
Molecular consequence: frameshift variant.
Genome position (GRCh38, 1-based): chr9:95,240,701-95,240,710, ATTAGACAAC deleted on the plus strand (GTTGTCTAAT on the coding strand, the reverse complement: FANCC is on the minus strand); deleting any 10 consecutive bases within chr9:95,240,701-95,240,712 gives the same sequence; the c. name uses the placement nearest the transcript's 3' end. VCF-style (leftmost placement, unchanged base first): chr9-95240700-AATTAGACAAC-A. GRCh37 (hg19) VCF-style: chr9-98002982-AATTAGACAAC-A.
Other names: c.284_293del, p.Cys95fs (NM_001243743.2, NM_001243744.2); short protein forms C95fs.
Identifiers: ClinVar variation 1386661 (VCV001386661.10), dbSNP rs2136049324, ClinGen allele CA2573144820.